The following is an entry in ClinVar:

NM_000219.6(KCNE1):c.326T>C (p.Val109Ala)

Gene: KCNE1 (potassium voltage-gated channel subfamily E regulatory subunit 1; minus strand). Cytogenetic location: 21q22.12.
Variant type: single nucleotide variant.
Coding change: c.326T>C on transcript NM_000219.6 (MANE Select); coding-DNA position 326, T replaced by C.
Protein change: p.Val109Ala; replaces valine 109 with alanine.
Molecular consequence: missense variant.
Genome position (GRCh38, 1-based): chr21:34,449,309, A>G on the plus strand (T>C on the coding strand, the complement: KCNE1 is on the minus strand). VCF-style: chr21-34449309-A-G. GRCh37 (hg19) VCF-style: chr21-35821607-A-G.
Other names: c.326T>C, p.Val109Ala (NM_001127668.4, NM_001127669.4, NM_001127670.4 and 4 more transcripts); short protein forms V109A.
Identifiers: ClinVar variation 3374646 (VCV003374646.2).

Conditions:
Long QT syndrome 5 (LQT5). Identifiers: Orphanet 101016, Orphanet 768, MedGen C1867904, MONDO:0013372, OMIM 613695.

Submission:

Roden Lab, Vanderbilt University Medical Center
No classification provided (evidence only). Condition: Long QT syndrome 5. Review status: no classification provided. Collection method: in vitro. Allele origin: not applicable. Functional consequence: Effect on ion channel function.
ClinVar note: "not provided" was previously submitted as the classification for the variant. However, the classification appeared to be based only on an observation of functional data so it was converted to no classification on 2025-07-30.